The following is an entry in ClinVar:

NM_022124.6(CDH23):c.8534G>T (p.Arg2845Leu)

Gene: CDH23 (cadherin related 23; plus strand). Cytogenetic location: 10q22.1.
Variant type: single nucleotide variant.
Coding change: c.8534G>T on transcript NM_022124.6 (MANE Select); coding-DNA position 8534, G replaced by T.
Protein change: p.Arg2845Leu; replaces arginine 2845 with leucine.
Molecular consequence: missense variant.
Genome position (GRCh38, 1-based): chr10:71,807,741, G>T. VCF-style: chr10-71807741-G-T. GRCh37 (hg19) VCF-style: chr10-73567498-G-T.
Other names: c.1814G>T, p.Arg605Leu (NM_001171933.1, NM_001171934.1); short protein forms R2845L, R605L.
Identifiers: ClinVar variation 1982038 (VCV001982038.1), dbSNP rs199668532, ClinGen allele CA5546675.

ClinVar aggregate classification (germline): Uncertain significance (1 of 4 stars; one submission).

gnomAD v4.1: 6 of 1,606,364 alleles (0.00037%); highest among the groups gnomAD compares: South Asian, 0.0033%; no homozygotes.

Submission:

Labcorp Genetics (formerly Invitae), Labcorp
Classification: Uncertain significance. Last evaluated: 2022-03-27. Review status: criteria provided, single submitter. Criteria: Invitae Variant Classification Sherloc (09022015). Collection method: clinical testing. Allele origin: germline.
Comment: This sequence change replaces arginine, which is basic and polar, with leucine, which is neutral and non-polar, at codon 2845 of the CDH23 protein (p.Arg2845Leu). This variant is present in population databases (rs199668532, gnomAD 0.007%). This variant has not been reported in the literature in individuals affected with CDH23-related conditions. Algorithms developed to predict the effect of missense changes on protein structure and function are either unavailable or do not agree on the potential impact of this missense change (SIFT: "Deleterious"; PolyPhen-2: "Not Available"; Align-GVGD: "Class C0"). In summary, the available evidence is currently insufficient to determine the role of this variant in disease. Therefore, it has been classified as a Variant of Uncertain Significance.